The following is an entry in ClinVar:

NM_001035.3(RYR2):c.14766G>A (p.Leu4922=)

Gene: RYR2 (ryanodine receptor 2; plus strand). Cytogenetic location: 1q43.
Variant type: single nucleotide variant.
Coding change: c.14766G>A on transcript NM_001035.3 (MANE Select); coding-DNA position 14766, G replaced by A.
Protein change: p.Leu4922=; no amino-acid change (leucine 4922 retained).
Molecular consequence: synonymous variant.
Genome position (GRCh38, 1-based): chr1:237,831,523, G>A. VCF-style: chr1-237831523-G-A. GRCh37 (hg19) VCF-style: chr1-237994823-G-A.
Identifiers: ClinVar variation 3072034 (VCV003072034.1), dbSNP rs751037615, ClinGen allele CA085757.

ClinVar aggregate classification (germline): Uncertain significance (1 of 4 stars; one submission).

Conditions:
Catecholaminergic polymorphic ventricular tachycardia (CVPT). Also called: Catecholamine-induced polymorphic ventricular tachycardia. Identifiers: Orphanet 3286, MedGen C5574922, MONDO:0017990.

Allele frequency attached by ClinVar (database versions not stated): gnomAD 0.00001; ExAC 0.00006.
gnomAD v4.1: 42 of 1,558,760 alleles (0.0027%); highest among the groups gnomAD compares: South Asian, 0.047%; no homozygotes.

Submission:

All of Us Research Program, National Institutes of Health
Classification: Uncertain significance for Catecholaminergic polymorphic ventricular tachycardia. Last evaluated: 2023-06-26. Review status: criteria provided, single submitter. Criteria: ACMG Guidelines, 2015. Collection method: clinical testing. Allele origin: germline. Inheritance: Autosomal dominant inheritance. Observed: 1 variant allele, 1 heterozygote.
Comment: This variant is located in the RYR2 protein. To our knowledge, functional studies have not been reported for this variant. This variant has not been reported in individuals affected with RYR2-related disorders in the literature. This variant has been identified in 15/244440 chromosomes in the general population by the Genome Aggregation Database (gnomAD). The available evidence is insufficient to determine the role of this variant in disease conclusively. Therefore, this variant is classified as a Variant of Uncertain Significance.

This study involves interpretation of variants in research participants for the purpose of population health screening. Participant phenotype was not available at the time of variant classification. Additional details can be found in publication PMID: 35346344, PMCID: PMC8962531